The following is an entry in ClinVar:

NM_004999.4(MYO6):c.3281-354_3341delinsGACAT

Gene: MYO6 (myosin VI; plus strand). Cytogenetic location: 6q14.1.
Variant type: Indel.
Coding change: c.3281-354_3341delinsGACAT on transcript NM_004999.4 (MANE Select); 354 bases into the intron before coding-DNA position 3281 through coding-DNA position 3341, the reference bases replaced by GACAT.
Molecular consequence: splice acceptor variant.
Genome position (GRCh38, 1-based): chr6:75,908,142-75,908,556, 415 bases replaced. GRCh37 (hg19): chr6:76,617,859-76,618,273.
Other names: c.3269-354_3329delinsGACAT (NM_001368137.1); c.3212-354_3272delinsGACAT (NM_001300899.2, NM_001368136.1); c.3197-354_3257delinsGACAT (NM_001368138.1); c.3308-354_3368delinsGACAT (NM_001368865.1, NM_001368866.1).
Identifiers: ClinVar variation 4875554 (VCV004875554.1).

ClinVar aggregate classification (germline): Likely pathogenic (1 of 4 stars; one submission).

Conditions:
Autosomal dominant nonsyndromic hearing loss 22. Also called: Autosomal dominant nonsyndromic deafness 22; DFNA 22. Identifiers: Orphanet 228012, MedGen C2931767, MONDO:0011660, OMIM 606346.

Submission:

Institute of Rare Diseases, West China Hospital, Sichuan University
Classification: Likely pathogenic for Autosomal dominant nonsyndromic hearing loss 22. Last evaluated: 2026-06-23. Review status: criteria provided, single submitter. Criteria: ClinGen HL ACMG Specifications v1. Collection method: research. Allele origin: paternal. Inheritance: Autosomal dominant inheritance. Affected: yes. Observed: 1 variant allele, 1 heterozygote.
Comment: The complex deletion-insertion variant NM_004999.4(MYO6):c.3281-354_3341delinsGACAT is a previously unreported variant overlapping intronic and exonic regions. Full genotype-phenotype cosegregation was confirmed in the study pedigree: four affected subjects (including the proband) carry the variant, and no unaffected relatives tested positive, with no segregation discrepancies detected. The variant is absent in population database gnomAD and deafness-focused databases DVD and ClinVar. In vitro minigene testing verified that the variant causes exon 32 skipping, which is expected to generate an in-frame deletion of 44 amino acids in the MYO6 cargo-binding tail domain and impair normal protein function.Collectively, the above multiple independent lines of genetic, population and functional evidence support classification of this variant as Likely Pathogenic.